The following is an entry in ClinVar:

ClinVar aggregate classification (germline): Uncertain significance. Review status: criteria provided, multiple submitters, no conflicts (2 of 4 stars). 2 submissions from 2 submitters: Uncertain significance (2). Last evaluated 2025-11-17.

gnomAD v4.1: 1 of 1,604,720 alleles (0.000062%); highest among the groups gnomAD compares: Non-Finnish European, 0.000085%; no homozygotes.

Submissions (2):

Labcorp Genetics (formerly Invitae), Labcorp
Classification: Uncertain significance. Last evaluated: 2025-11-17. Review status: criteria provided, single submitter. Criteria: Invitae Variant Classification Sherloc (09022015). Collection method: clinical testing. Allele origin: germline.
Comment: This sequence change replaces arginine, which is basic and polar, with glutamine, which is neutral and polar, at codon 758 of the CYLD protein (p.Arg758Gln). This variant is not present in population databases (gnomAD no frequency). This variant has not been reported in the literature in individuals affected with CYLD-related conditions. ClinVar contains an entry for this variant (Variation ID: 3364289). Invitae Evidence Modeling of protein sequence and biophysical properties (such as structural, functional, and spatial information, amino acid conservation, physicochemical variation, residue mobility, and thermodynamic stability) indicates that this missense variant is expected to disrupt CYLD protein function with a positive predictive value of 80%. In summary, the available evidence is currently insufficient to determine the role of this variant in disease. Therefore, it has been classified as a Variant of Uncertain Significance.

GeneDx
Classification: Uncertain significance. Last evaluated: 2023-11-19. Review status: criteria provided, single submitter. Criteria: GeneDx Variant Classification Process June 2021. Collection method: clinical testing. Allele origin: germline. Affected: yes.
Comment: Has not been previously published as a pathogenic or benign germline variant to our knowledge; Not observed at significant frequency in large population cohorts (gnomAD); In silico analysis supports that this missense variant has a deleterious effect on protein structure/function; This variant is associated with the following publications: (PMID: 27647909, 37389703, Deng2019[Abstract])

NM_001378743.1(CYLD):c.2273G>A (p.Arg758Gln)

Genes: CYLD (CYLD lysine 63 deubiquitinase; plus strand), CYLD-AS2 (CYLD antisense RNA 2; minus strand). Cytogenetic location: 16q12.1.
Variant type: single nucleotide variant.
Coding change: c.2273G>A on transcript NM_001378743.1 (MANE Select); coding-DNA position 2273, G replaced by A.
Protein change: p.Arg758Gln; replaces arginine 758 with glutamine.
Molecular consequence: missense variant. On other transcripts: non-coding transcript variant (1).
Genome position (GRCh38, 1-based): chr16:50,792,628, G>A. VCF-style: chr16-50792628-G-A. GRCh37 (hg19) VCF-style: chr16-50826539-G-A.
Other names: c.2264G>A, p.Arg755Gln (NM_001042355.2, NM_001042412.3, NM_001378744.1 and 6 more transcripts); c.2234G>A, p.Arg745Gln (NM_001378751.1, NM_001378752.1, NM_001378753.1); c.1598G>A, p.Arg533Gln (NM_001378754.1, NM_001378755.1); c.2273G>A, p.Arg758Gln (NM_015247.3); short protein forms R533Q, R745Q, R755Q, R758Q.
Identifiers: ClinVar variation 3364289 (VCV003364289.3).